The following is an entry in ClinVar:

NM_002615.7(SERPINF1):c.441G>C (p.Lys147Asn)

Gene: SERPINF1 (serpin family F member 1; plus strand). Cytogenetic location: 17p13.3.
Variant type: single nucleotide variant.
Coding change: c.441G>C on transcript NM_002615.7 (MANE Select); coding-DNA position 441, G replaced by C.
Protein change: p.Lys147Asn; replaces lysine 147 with asparagine.
Molecular consequence: missense variant. On other transcripts: 5 prime UTR variant (2).
Genome position (GRCh38, 1-based): chr17:1,771,873, G>C. VCF-style: chr17-1771873-G-C. GRCh37 (hg19) VCF-style: chr17-1675167-G-C.
Other names: c.441G>C, p.Lys147Asn (NM_001329903.2); c.-121G>C (NM_001329904.2, NM_001329905.2); c.441G>C (NM_002615.6); short protein forms K147N.
Identifiers: ClinVar variation 1505555 (VCV001505555.7), dbSNP rs138341386, ClinGen allele CA8274710.

ClinVar aggregate classification (germline): Uncertain significance. Review status: criteria provided, multiple submitters, no conflicts (2 of 4 stars). 4 submissions from 4 submitters: Uncertain significance (4). Last evaluated 2024-09-03.

Allele frequency attached by ClinVar (database versions not stated): TOPMed 0.00014; gnomAD 0.00021 and 0.00022; ESP Exome Variant Server 0.00023; gnomAD exomes 0.00035 and 0.00039; ExAC 0.00050.
gnomAD v4.1: 539 of 1,611,764 alleles (0.033%); highest among the groups gnomAD compares: Non-Finnish European, 0.034%; no homozygotes.

Submissions (4):

Blueprint Genetics
Classification: Uncertain significance. Last evaluated: 2024-09-03. Review status: criteria provided, single submitter. Criteria: ACMG Guidelines, 2015. Collection method: clinical testing. Allele origin: germline.

Labcorp Genetics (formerly Invitae), Labcorp
Classification: Uncertain significance. Last evaluated: 2023-12-03. Review status: criteria provided, single submitter. Criteria: Invitae Variant Classification Sherloc (09022015). Collection method: clinical testing. Allele origin: germline.
Comment: This sequence change replaces lysine, which is basic and polar, with asparagine, which is neutral and polar, at codon 147 of the SERPINF1 protein (p.Lys147Asn). This variant is present in population databases (rs138341386, gnomAD 0.2%). This variant has not been reported in the literature in individuals affected with SERPINF1-related conditions. ClinVar contains an entry for this variant (Variation ID: 1505555). An algorithm developed to predict the effect of missense changes on protein structure and function (PolyPhen-2) suggests that this variant¬†is likely to be tolerated. In summary, the available evidence is currently insufficient to determine the role of this variant in disease. Therefore, it has been classified as a Variant of Uncertain Significance.

Women's Health and Genetics/Laboratory Corporation of America, LabCorp
Classification: Uncertain significance. Last evaluated: 2023-03-30. Review status: criteria provided, single submitter. Criteria: LabCorp Variant Classification Summary - May 2015. Collection method: clinical testing. Allele origin: germline.
Comment: Variant summary: SERPINF1 c.441G>C (p.Lys147Asn) results in a non-conservative amino acid change located in the Serpin domain (IPR023796) of the encoded protein sequence. Three of five in-silico tools predict a damaging effect of the variant on protein function. 4/4 computational tools predict no significant impact on normal splicing. However, these predictions have yet to be confirmed by functional studies. The variant allele was found at a frequency of 0.00039 in 249532 control chromosomes (gnomAD). This frequency is not higher than estimated for a pathogenic variant in SERPINF1 causing Osteogenesis Imperfecta (0.00039 vs 0.0011), allowing no conclusion about variant significance. c.441G>C has been reported in the literature in individuals affected with familial otosclerosis and primary angioedema with normal C1 inhibitor (Ziff_2016, Loules_2020). These reports do not provide unequivocal conclusions about association of the variant with Osteogenesis Imperfecta. Ziff et al (2016) reports the variant is located within the 5'-untranslated region (UTR) of a shorter alternatively spliced transcript (ENST00000573763) which contains exons 5-8 only. Using RNA-seq data from stapes bone and luciferase constructs with the variant, they determined that this alternate transcript is the major transcript found in stapes bone, and that the variant results in reduced expression and reduced translational efficiency of this transcript. However, this experimental evidence does not allow convincing conclusions about the variant effect in relation to the phenotype of Osteogenesis Imperfecta. One clinical diagnostic laboratory has submitted clinical-significance assessments for this variant to ClinVar after 2014 without evidence for independent evaluation and classified the variant as uncertain significance. Based on the evidence outlined above, the variant was classified as uncertain significance.

Breakthrough Genomics
Classification: Uncertain significance. Review status: criteria provided, single submitter. Criteria: ACMG Guidelines, 2015. Collection method: not provided. Allele origin: germline. Inheritance: Autosomal recessive inheritance. Affected: yes.

Literature cited by the submitters: PubMed 27056980 (cited by Women's Health and Genetics/Laboratory Corporation of America, LabCorp); PubMed 33114181 (cited by Women's Health and Genetics/Laboratory Corporation of America, LabCorp).